The following is an entry in ClinVar:

ClinVar aggregate classification (germline): Likely benign (1 of 4 stars; one submission).

Allele frequency attached by ClinVar (database versions not stated): gnomAD below 0.00001 and 0.00001; gnomAD exomes 0.00001; ExAC 0.00005.
gnomAD v4.1: 12 of 1,509,424 alleles (0.0008%); highest among the groups gnomAD compares: Middle Eastern, 0.022%; no homozygotes.

Submission:

GeneDx
Classification: Likely benign. Last evaluated: 2016-11-22. Review status: criteria provided, single submitter. Criteria: GeneDx Variant Classification (06012015). Collection method: clinical testing. Allele origin: germline. Affected: yes.
Comment: This variant is considered likely benign or benign based on one or more of the following criteria: it is a conservative change, it occurs at a poorly conserved position in the protein, it is predicted to be benign by multiple in silico algorithms, and/or has population frequency not consistent with disease.

NM_213649.2(SFXN4):c.-31T>A

Genes: SFXN4 (sideroflexin 4; minus strand), LOC130004825 (ATAC-STARR-seq lymphoblastoid silent region 2869; plus strand). Cytogenetic location: 10q26.11.
Variant type: single nucleotide variant.
Coding change: c.-31T>A on transcript NM_213649.2 (MANE Select); 31 bases upstream of the start codon, T replaced by A.
Molecular consequence: 5 prime UTR variant. On other transcripts: non-coding transcript variant (1).
Genome position (GRCh38, 1-based): chr10:119,165,678, A>T on the plus strand (T>A on the coding strand, the complement: SFXN4 is on the minus strand). VCF-style: chr10-119165678-A-T. GRCh37 (hg19) VCF-style: chr10-120925190-A-T.
Identifiers: ClinVar variation 390891 (VCV000390891.1), dbSNP rs780298679, ClinGen allele CA5714762.